The following is an entry in ClinVar:

ClinVar aggregate classification (germline): Uncertain significance (1 of 4 stars; one submission).

Conditions:
Malignant hyperthermia, susceptibility to, 1 (MHS1). Also called: RYR1-Related Malignant Hyperthermia Susceptibility; Malignant hyperthermia suceptibility 1; Anesthesia related hyperthermia; Malignant hyperpyrexia; Fulminating hyperpyrexia; Pharmacogenic myopathy. Identifiers: Orphanet 423, MedGen C2930980, MONDO:0007783, OMIM 145600.

Submission:

Color Diagnostics, LLC DBA Color Health
Classification: Uncertain significance for Malignant hyperthermia, susceptibility to, 1. Last evaluated: 2025-07-20. Review status: criteria provided, single submitter. Criteria: ACMG Guidelines, 2015. Collection method: clinical testing. Allele origin: germline.
Comment: This missense variant replaces methionine with threonine at codon 5014 of the RYR1 protein. Computational prediction suggests that this variant may have deleterious impact on protein structure and function. To our knowledge, functional studies have not been reported for this variant. This variant has not been reported in individuals affected with RYR1-related disorders in the literature. This variant has not been identified in the general population by the Genome Aggregation Database (gnomAD). The available evidence is insufficient to determine the role of this variant in disease conclusively. Therefore, this variant is classified as a Variant of Uncertain Significance.

NM_000540.3(RYR1):c.15041T>C (p.Met5014Thr)

Gene: RYR1 (ryanodine receptor 1; plus strand). Cytogenetic location: 19q13.2.
Variant type: single nucleotide variant.
Coding change: c.15041T>C on transcript NM_000540.3 (MANE Select); coding-DNA position 15041, T replaced by C.
Protein change: p.Met5014Thr; replaces methionine 5014 with threonine.
Molecular consequence: missense variant.
Genome position (GRCh38, 1-based): chr19:38,587,344, T>C. VCF-style: chr19-38587344-T-C. GRCh37 (hg19) VCF-style: chr19-39077984-T-C.
Other names: c.15026T>C, p.Met5009Thr (NM_001042723.2); short protein forms M5009T, M5014T.
Identifiers: ClinVar variation 4758977 (VCV004758977.1).